The following is an entry in ClinVar:

ClinVar aggregate classification (germline): Likely benign (1 of 4 stars; one submission).

Allele frequency attached by ClinVar (database versions not stated): 1000 Genomes Project 0.00060; 1000 Genomes Project 30x 0.00062; TOPMed 0.00160; gnomAD 0.00218; ESP Exome Variant Server 0.00231; ExAC 0.00275; gnomAD exomes 0.00278.
gnomAD v4.1: 4,374 of 1,614,114 alleles (0.27%); highest among the groups gnomAD compares: Non-Finnish European, 0.32%; 7 homozygotes.

Submissions (3):

CeGaT Center for Human Genetics Tuebingen
Classification: Likely benign. Last evaluated: 2023-08-01. Review status: criteria provided, single submitter. Criteria: CeGaT Center For Human Genetics Tuebingen Variant Classification Criteria Version 2. Collection method: clinical testing. Allele origin: germline. Affected: yes. Observed: 4 variant alleles.
Comment: HYDIN: BP4, BS2

Dr. Peter K. Rogan Lab, Western University
No classification provided (evidence only). Condition: Clear cell carcinoma of kidney. Review status: no classification provided. Collection method: in vitro. Allele origin: not applicable. Functional consequence: retained intron. Not counted in ClinVar's aggregate classification.

Dr. Peter K. Rogan Lab, Western University
No classification provided (evidence only). Condition: Gastric cancer. Review status: no classification provided. Collection method: in vitro. Allele origin: not applicable. Functional consequence: retained intron. Not counted in ClinVar's aggregate classification.

NM_001270974.2(HYDIN):c.2177A>G (p.Asp726Gly)

Gene: HYDIN (HYDIN axonemal central pair apparatus protein; minus strand). Cytogenetic location: 16q22.2.
Variant type: single nucleotide variant.
Coding change: c.2177A>G on transcript NM_001270974.2 (MANE Select); coding-DNA position 2177, A replaced by G.
Protein change: p.Asp726Gly; replaces aspartic acid 726 with glycine.
Molecular consequence: missense variant.
Genome position (GRCh38, 1-based): chr16:71,064,739, T>C on the plus strand (A>G on the coding strand, the complement: HYDIN is on the minus strand). VCF-style: chr16-71064739-T-C. GRCh37 (hg19) VCF-style: chr16-71098642-T-C.
Other names: NC_000016.9:g.71098642T>C; c.2258A>G, p.Asp753Gly (NM_001198542.1); c.2228A>G, p.Asp743Gly (NM_001198543.1); c.2177A>G, p.Asp726Gly (NM_017558.5); short protein forms D726G, D743G, D753G.
Identifiers: ClinVar variation 2646789 (VCV002646789.25), dbSNP rs140875580, ClinGen allele CA8151117.